The following is an entry in ClinVar:

ClinVar aggregate classification (germline): Pathogenic. Review status: criteria provided, multiple submitters, no conflicts (2 of 4 stars). 3 submissions from 3 submitters: Pathogenic (2). 1 of the submissions does not count toward it. Last evaluated 2022-07-11.

Conditions:
Spondyloepiphyseal dysplasia, Stanescu type. Also called: SED, STANESCU TYPE; SPONDYLOEPIMETAPHYSEAL DYSPLASIA, STANESCU TYPE. Identifiers: Orphanet 459051, MedGen C4225273, MONDO:0014701, OMIM 616583.

Submissions (3):

Labcorp Genetics (formerly Invitae), Labcorp
Classification: Pathogenic. Last evaluated: 2022-07-11. Review status: criteria provided, single submitter. Criteria: Invitae Variant Classification Sherloc (09022015). Collection method: clinical testing. Allele origin: germline.
Comment: For these reasons, this variant has been classified as Pathogenic. This variant disrupts the triple helix domain of COL2A1. Glycine residues within the Gly-Xaa-Yaa repeats of the triple helix domain are required for the structure and stability of fibrillar collagens (PMID: 7695699, 8218237, 19344236). In COL2A1, variants affecting these glycine residues are significantly enriched in individuals with disease (PMID: 9016532, 17078022) compared to the general population (ExAC). Advanced modeling of protein sequence and biophysical properties (such as structural, functional, and spatial information, amino acid conservation, physicochemical variation, residue mobility, and thermodynamic stability) performed at Invitae indicates that this missense variant is expected to disrupt COL2A1 protein function. ClinVar contains an entry for this variant (Variation ID: 224878). This missense change has been observed in individual(s) with COL2A1-related conditions (PMID: 26183434). In at least one individual the variant was observed to be de novo. This variant is not present in population databases (gnomAD no frequency). This sequence change replaces glycine, which is neutral and non-polar, with arginine, which is basic and polar, at codon 207 of the COL2A1 protein (p.Gly207Arg).

Baylor-Hopkins Center for Mendelian Genomics, Johns Hopkins University School of Medicine
Classification: Pathogenic for Spondyloepiphyseal dysplasia, Stanescu type. Review status: criteria provided, single submitter. Criteria: Submitter's publication. Collection method: research. Allele origin: germline, de novo. Affected: yes. Observed: 2 heterozygotes. Segregation with disease observed.

OMIM
Classification: Pathogenic for SPONDYLOEPIMETAPHYSEAL DYSPLASIA, STANESCU TYPE. Last evaluated: 2015-10-01. Review status: no assertion criteria provided. Collection method: literature only. Allele origin: germline. Not counted in ClinVar's aggregate classification.

Literature cited by the submitters: PubMed 7695699 (cited by Labcorp Genetics (formerly Invitae), Labcorp); PubMed 8218237 (cited by Labcorp Genetics (formerly Invitae), Labcorp); PubMed 19344236 (cited by Labcorp Genetics (formerly Invitae), Labcorp); PubMed 9016532 (cited by Labcorp Genetics (formerly Invitae), Labcorp); PubMed 17078022 (cited by Labcorp Genetics (formerly Invitae), Labcorp); PubMed 26183434 (cited by Labcorp Genetics (formerly Invitae), Labcorp and OMIM).

NM_001844.5(COL2A1):c.619G>A (p.Gly207Arg)

Gene: COL2A1 (collagen type II alpha 1 chain; minus strand). Cytogenetic location: 12q13.11.
Variant type: single nucleotide variant.
Coding change: c.619G>A on transcript NM_001844.5 (MANE Select); coding-DNA position 619, G replaced by A.
Protein change: p.Gly207Arg; replaces glycine 207 with arginine.
Molecular consequence: missense variant.
Genome position (GRCh38, 1-based): chr12:47,995,910, C>T on the plus strand (G>A on the coding strand, the complement: COL2A1 is on the minus strand). VCF-style: chr12-47995910-C-T. GRCh37 (hg19) VCF-style: chr12-48389693-C-T.
Other names: c.412G>A, p.Gly138Arg (NM_033150.3); short protein forms G207R, G138R.
Identifiers: ClinVar variation 224878 (VCV000224878.10), dbSNP rs869312907, ClinGen allele CA357206.
Genomic context (GRCh38, chr12:47,995,910, plus strand): 5'-GGCAAAAAGAATTGCAGATACTTACAGGAGCACCTGCAGGGCCTGGAGGTCCTCGAGGTC[C>T]CATGGGGCCCTGCATCGGAACAGAAAATGAGGGGTTTACTACACATGCTTCCTCAGTGGC-3'
Protein context (NP_001835.3, residues 197-217): GVMQGPMGPM[Gly207Arg]PRGPPGPAGA